The following is an entry in ClinVar:

NM_012268.4(PLD3):c.655A>G (p.Met219Val)

Gene: PLD3 (phospholipase D family member 3; plus strand). Cytogenetic location: 19q13.2.
Variant type: single nucleotide variant.
Coding change: c.655A>G on transcript NM_012268.4 (MANE Select); coding-DNA position 655, A replaced by G.
Protein change: p.Met219Val; replaces methionine 219 with valine.
Molecular consequence: missense variant.
Genome position (GRCh38, 1-based): chr19:40,370,214, A>G. VCF-style: chr19-40370214-A-G. GRCh37 (hg19) VCF-style: chr19-40876121-A-G.
Other names: c.655A>G, p.Met219Val (NM_001031696.4, NM_001291311.2); short protein forms M219V.
Identifiers: ClinVar variation 3044348 (VCV003044348.2), dbSNP rs2079033716, ClinGen allele CA405870753.

ClinVar aggregate classification (germline): Uncertain significance (0 of 4 stars; one submission).

Conditions:
PLD3-related disorder. Also called: PLD3-related condition.

gnomAD v4.1: 1 of 1,613,906 alleles (0.000062%); no homozygotes.

Submission:

PreventionGenetics, part of Exact Sciences
Classification: Uncertain significance for PLD3-related condition. Last evaluated: 2024-01-09. Review status: no assertion criteria provided. Collection method: clinical testing. Allele origin: germline.
Comment: The PLD3 c.655A>G variant is predicted to result in the amino acid substitution p.Met219Val. To our knowledge, this variant has not been reported in the literature or in a large population database, indicating this variant is rare. At this time, the clinical significance of this variant is uncertain due to the absence of conclusive functional and genetic evidence.